The following is an entry in ClinVar:

ClinVar aggregate classification (germline): Pathogenic (1 of 4 stars; one submission).

Submission:

Labcorp Genetics (formerly Invitae), Labcorp
Classification: Pathogenic. Last evaluated: 2023-10-09. Review status: criteria provided, single submitter. Criteria: Invitae Variant Classification Sherloc (09022015). Collection method: clinical testing. Allele origin: germline.
Comment: This sequence change creates a premature translational stop signal (p.Gln1105*) in the COL4A4 gene. It is expected to result in an absent or disrupted protein product. Loss-of-function variants in COL4A4 are known to be pathogenic (PMID: 21196518, 24854265, 25307543). This variant is not present in population databases (gnomAD no frequency). This variant has not been reported in the literature in individuals affected with COL4A4-related conditions. For these reasons, this variant has been classified as Pathogenic.

Literature cited by the submitters: PubMed 21196518; PubMed 24854265; PubMed 25307543.

NM_000092.5(COL4A4):c.3313C>T (p.Gln1105Ter)

Gene: COL4A4 (collagen type IV alpha 4 chain; minus strand). Cytogenetic location: 2q36.3.
Variant type: single nucleotide variant.
Coding change: c.3313C>T on transcript NM_000092.5 (MANE Select); coding-DNA position 3313, C replaced by T.
Protein change: p.Gln1105Ter; replaces glutamine 1105 with a stop codon.
Molecular consequence: nonsense.
Genome position (GRCh38, 1-based): chr2:227,043,161, G>A on the plus strand (C>T on the coding strand, the complement: COL4A4 is on the minus strand). VCF-style: chr2-227043161-G-A. GRCh37 (hg19) VCF-style: chr2-227907877-G-A.
Other names: short protein forms Q1105*.
Identifiers: ClinVar variation 2758948 (VCV002758948.3), dbSNP rs2473719118, ClinGen allele CA350838554.